The following is an entry in ClinVar:

NM_005334.3(HCFC1):c.1429G>T (p.Ala477Ser)

Gene: HCFC1 (host cell factor C1; minus strand). Cytogenetic location: Xq28.
Variant type: single nucleotide variant.
Coding change: c.1429G>T on transcript NM_005334.3 (MANE Select); coding-DNA position 1429, G replaced by T.
Protein change: p.Ala477Ser; replaces alanine 477 with serine.
Molecular consequence: missense variant.
Genome position (GRCh38, 1-based): chrX:153,959,817, C>A on the plus strand (G>T on the coding strand, the complement: HCFC1 is on the minus strand). VCF-style: chrX-153959817-C-A. GRCh37 (hg19) VCF-style: chrX-153225268-C-A.
Other names: c.1429G>T, p.Ala477Ser (NM_001410705.1, NM_001440843.1, NM_001440844.1 and 7 more transcripts); short protein forms A477S.
Identifiers: ClinVar variation 4795647 (VCV004795647.1).

ClinVar aggregate classification (germline): Uncertain significance (1 of 4 stars; one submission).

Submission:

GeneDx
Classification: Uncertain significance. Last evaluated: 2025-08-13. Review status: criteria provided, single submitter. Criteria: GeneDx Variant Classification Process June 2021. Collection method: clinical testing. Allele origin: germline. Affected: yes.
Comment: Not observed at significant frequency in large population cohorts (gnomAD); In silico analysis suggests that this missense variant does not alter protein structure/function; Has not been previously published as pathogenic or benign to our knowledge